The following is an entry in ClinVar:

ClinVar aggregate classification (germline): Uncertain significance (1 of 4 stars; one submission).

Conditions:
Cardiovascular phenotype. Identifiers: MedGen CN230736.

Submission:

Ambry Genetics
Classification: Uncertain significance for Cardiovascular phenotype. Last evaluated: 2026-02-02. Review status: criteria provided, single submitter. Criteria: Ambry Variant Classification Scheme 2023. Collection method: clinical testing. Allele origin: germline.
Comment: The c.1793delA variant, located in coding exon 13 of the MYH6 gene, results from a deletion of one nucleotide at nucleotide position 1793, causing a translational frameshift with a predicted alternate stop codon (p.N598Tfs*63). This variant was reported in individual(s) with features consistent with cardiomyopathy (Richard P et al. Clin Genet, 2019 Mar;95:356-367; Chen K et al. Gene, 2019 Mar;687:82-89). This variant is expected to result in protein truncation or nonsense-mediated mRNA decay. However, loss of function has not been established as a mechanism of disease. Based on the available evidence, the clinical significance of this variant remains unclear.

Literature cited by the submitters: PubMed 30385303; PubMed 30471092.

NM_002471.4(MYH6):c.1793del (p.Asn598fs)

Gene: MYH6 (myosin heavy chain 6; minus strand). Cytogenetic location: 14q11.2.
Variant type: Deletion.
Coding change: c.1793del on transcript NM_002471.4 (MANE Select); coding-DNA position 1793, one base deleted (A; older notation c.1793delA).
Protein change: p.Asn598fs; shifts the reading frame from asparagine 598.
Molecular consequence: frameshift variant.
Genome position (GRCh38, 1-based): chr14:23,398,826, T deleted on the plus strand (A on the coding strand, the reverse complement: MYH6 is on the minus strand); the first of 7 consecutive T bases (chr14:23,398,826-23,398,832); deleting any one gives the same sequence. VCF-style (leftmost placement, unchanged base first): chr14-23398825-GT-G. GRCh37 (hg19) VCF-style: chr14-23868034-GT-G.
Other names: c.1793delA (NM_002471.3); short protein forms N598fs.
Identifiers: ClinVar variation 4843585 (VCV004843585.1).